The following is an entry in ClinVar:

NM_003985.6(TNK1):c.1622C>G (p.Ser541Cys)

Gene: TNK1 (tyrosine kinase non receptor 1; plus strand). Cytogenetic location: 17p13.1.
Variant type: single nucleotide variant.
Coding change: c.1622C>G on transcript NM_003985.6 (MANE Select); coding-DNA position 1622, C replaced by G.
Protein change: p.Ser541Cys; replaces serine 541 with cysteine.
Molecular consequence: missense variant.
Genome position (GRCh38, 1-based): chr17:7,388,550, C>G. VCF-style: chr17-7388550-C-G. GRCh37 (hg19) VCF-style: chr17-7291869-C-G.
Other names: c.1637C>G, p.Ser546Cys (NM_001251902.3); short protein forms S541C, S546C.
Identifiers: ClinVar variation 3033662 (VCV003033662.2), dbSNP rs56093628, ClinGen allele CA8345271.

ClinVar aggregate classification (germline): Benign (0 of 4 stars; one submission).

Conditions:
TNK1-related disorder. Also called: TNK1-related condition.

Allele frequency attached by ClinVar (database versions not stated): gnomAD exomes 0.00068; ExAC 0.00219; ESP Exome Variant Server 0.00631; gnomAD 0.00689; TOPMed 0.00758; 1000 Genomes Project 0.01158; 1000 Genomes Project 30x 0.01218.
gnomAD v4.1: 2,075 of 1,613,994 alleles (0.13%); highest among the groups gnomAD compares: African/African-American, 2.3%; 25 homozygotes.

Submission:

PreventionGenetics, part of Exact Sciences
Classification: Benign for TNK1-related condition. Last evaluated: 2019-10-01. Review status: no assertion criteria provided. Collection method: clinical testing. Allele origin: germline.
Comment: This variant is classified as benign based on ACMG/AMP sequence variant interpretation guidelines (Richards et al. 2015 PMID: 25741868, with internal and published modifications).